The following continues an entry in ClinVar:

NM_000138.5(FBN1):c.7540G>A (p.Gly2514Arg)

Gene: FBN1. ClinVar aggregate classification (germline): Pathogenic. Pathogenic (1).

Submissions 9 to 15 of 15:

CeGaT Center for Human Genetics Tuebingen
Classification: Pathogenic. Last evaluated: 2024-05-01. Review status: criteria provided, single submitter. Criteria: CeGaT Center For Human Genetics Tuebingen Variant Classification Criteria Version 2. Collection method: clinical testing. Allele origin: germline. Affected: yes. Observed: 1 variant allele. Not counted in ClinVar's aggregate classification.
Comment: FBN1: PS4, PM1, PM2, PM5, PP3

Laboratory of Medical Genetics, National & Kapodistrian University of Athens
Classification: Likely pathogenic for Marfan syndrome. Last evaluated: 2022-09-12. Review status: criteria provided, single submitter. Criteria: ACMG Guidelines, 2015. Collection method: clinical testing. Allele origin: germline. Affected: yes. Not counted in ClinVar's aggregate classification.
Comment: PM2, PP2, PP3, PP5

ARUP Laboratories, Molecular Genetics and Genomics, ARUP Laboratories
Classification: Uncertain significance. Last evaluated: 2021-03-28. Review status: criteria provided, single submitter. Criteria: ARUP Molecular Germline Variant Investigation Process 2021. Collection method: clinical testing. Allele origin: germline. Not counted in ClinVar's aggregate classification.
Comment: The FBN1 c.7540G>A; p.Gly2514Arg variant (rs363811) is reported in the literature in several individuals affected with Marfan syndrome or thoracic aortic aneurysm/dissection (Guo 2015, Ng 2002, Pilop 2009, Rurali 2019). This variant is absent from general population databases (Exome Variant Server, Genome Aggregation Database), indicating it is not a common polymorphism. The glycine at codon 2514 is highly conserved, and computational analyses predict that this variant is deleterious (REVEL: 0.945). However, due to limited information, the clinical significance of the p.Gly2514Arg variant is uncertain at this time. References: Guo J et al. Wide mutation spectrum and frequent variant Ala27Thr of FBN1 identified in a large cohort of Chinese patients with sporadic TAAD. Sci Rep. 2015 Aug 14;5:13115. PMID: 26272055. Ng PC and Henikoff S. Accounting for human polymorphisms predicted to affect protein function. Genome Res. 2002 Mar;12(3):436-46. PMID: 11875032. Pilop C et al. Proteomic analysis in aortic media of patients with Marfan syndrome reveals increased activity of calpain 2 in aortic aneurysms. Circulation. 2009 Sep 15;120(11):983-91. PMID: 19720936. Rurali E et al. Soluble EMMPRIN levels discriminate aortic ectasia in Marfan syndrome patients. Theranostics. 2019 Apr 12;9(8):2224-2234. PMID: 31149040.

Mayo Clinic Laboratories, Mayo Clinic
Classification: Likely pathogenic. Last evaluated: 2020-11-25. Review status: criteria provided, single submitter. Criteria: ACMG Guidelines, 2015. Collection method: clinical testing. Allele origin: germline. Observed: 1 variant allele. Not counted in ClinVar's aggregate classification.
Comment: PS4, PM2_supporting, PP2, PP3

Department of Vascular Biology, Beijing Anzhen Hospital
Classification: Likely pathogenic for Isolated thoracic aortic aneurysm. Last evaluated: 2018-09-01. Review status: criteria provided, single submitter. Criteria: ACMG Guidelines, 2015. Collection method: research. Allele origin: germline. Affected: yes. Not counted in ClinVar's aggregate classification.

Laboratory for Molecular Medicine, Mass General Brigham Personalized Medicine
Classification: Uncertain significance. Last evaluated: 2013-08-22. Review status: criteria provided, single submitter. Criteria: LMM Criteria. Collection method: clinical testing. Allele origin: germline. Observed: 1 variant allele. Not counted in ClinVar's aggregate classification.
Comment: The Gly2514Arg variant in FBN1 has been reported in two individuals with Marfan syndrome (Ng 2002, Kumar 2009, Pilop 2009). In addition, this variant has been i dentified in 0.6% (3/336) of Asian chromosomes, 0.6% (1/180) of Luhya Kenyan chr omosomes, 2% (2/98) of Mexican chromosomes, and 0.6% (1/176) of Tuscan chromosom es by the HapMap Project (dbSNP rs363811). Computational analyses (biochemical a mino acid properties, conservation, AlignGVGD, PolyPhen2, and SIFT) suggest that the Gly2514Arg variant may impact the protein, though this information is not p redictive enough to determine pathogenicity. Furthermore, this variant has segre gated between a mother and daughter with clinical features of Marfan syndrome (L MM unpublished data), suggesting a pathogenic role. In summary, due to the confl icting information available, additional studies are needed to fully assess the clinical significance of the Gly2514Arg variant.

Center for Medical Genetics Ghent, University of Ghent
Classification: Uncertain significance for Marfan syndrome. Last evaluated: 2017-11-07. Review status: no assertion criteria provided. Collection method: clinical testing. Allele origin: germline. Affected: yes. Not counted in ClinVar's aggregate classification.

Literature cited by the submitters: PubMed 11875032 (cited by 5 submitters); PubMed 19720936 (cited by 5 submitters); PubMed 26272055 (cited by 4 submitters); PubMed 19446531 (cited by Ambry Genetics); PubMed 31149040 (cited by Ambry Genetics); PubMed 33483584 (cited by Ambry Genetics and Women's Health and Genetics/Laboratory Corporation of America, LabCorp); PubMed 33824467 (cited by Ambry Genetics); PubMed 28468757 (cited by Women's Health and Genetics/Laboratory Corporation of America, LabCorp); PubMed 31227806 (cited by Mayo Clinic Laboratories, Mayo Clinic); PubMed 19561590 (cited by Laboratory for Molecular Medicine, Mass General Brigham Personalized Medicine).